The following is an entry in ClinVar:

NM_015107.3(PHF8):c.2210C>G (p.Ser737Ter)

Gene: PHF8 (PHD finger protein 8; minus strand). Cytogenetic location: Xp11.22.
Variant type: single nucleotide variant.
Coding change: c.2210C>G on transcript NM_015107.3 (MANE Select); coding-DNA position 2210, C replaced by G.
Protein change: p.Ser737Ter; replaces serine 737 with a stop codon.
Molecular consequence: nonsense.
Genome position (GRCh38, 1-based): chrX:53,985,147, G>C on the plus strand (C>G on the coding strand, the complement: PHF8 is on the minus strand). VCF-style: chrX-53985147-G-C. GRCh37 (hg19) VCF-style: chrX-54011580-G-C.
Other names: c.2318C>G, p.Ser773Ter (NM_001184896.1); c.1907C>G, p.Ser636Ter (NM_001184897.2); c.2159C>G, p.Ser720Ter (NM_001184898.2); short protein forms S737*, S636*, S720*, S773*.
Identifiers: ClinVar variation 194867 (VCV000194867.7), dbSNP rs797044665, ClinGen allele CA201396.
Genomic context (GRCh38, chrX:53,985,147, plus strand): 5'-CTCCCACTGCTTCGATCCTGTCCCCCAGTCCACCAGGCCTGCAGGCTAGAGGTAGCCGGT[G>C]AGGACGATGAGGACTGCAGGTTGGCCATGCACAGCATGCCCTGGATGGCCTCCTGAGTGC-3'

ClinVar aggregate classification (germline): Pathogenic/Likely pathogenic. Review status: criteria provided, multiple submitters, no conflicts (2 of 4 stars). 2 submissions from 2 submitters: Pathogenic (1); Likely pathogenic (1). Last evaluated 2019-12-19.

Submissions (2):

GeneDx
Classification: Pathogenic. Last evaluated: 2019-12-19. Review status: criteria provided, single submitter. Criteria: GeneDx Variant Classification Process June 2021. Collection method: clinical testing. Allele origin: germline. Affected: yes.
Comment: Nonsense variant predicted to result in protein truncation or nonsense mediated decay in a gene for which loss-of-function is a known mechanism of disease; Not observed in large population cohorts (Lek et al., 2016); Has not been previously published as pathogenic or benign to our knowledge

Eurofins Ntd Llc (ga)
Classification: Likely pathogenic. Last evaluated: 2015-05-27. Review status: criteria provided, single submitter. Criteria: EGL Classification Definitions 2015. Collection method: clinical testing. Allele origin: germline. Observed: 2 variant alleles, 2 hemizygotes.